The following is an entry in ClinVar:

NM_152564.5(VPS13B):c.1912A>C (p.Thr638Pro)

Gene: VPS13B (vacuolar protein sorting 13 homolog B; plus strand). Cytogenetic location: 8q22.2.
Variant type: single nucleotide variant.
Coding change: c.1912A>C on transcript NM_152564.5 (MANE Select); coding-DNA position 1912, A replaced by C.
Protein change: p.Thr638Pro; replaces threonine 638 with proline.
Molecular consequence: missense variant.
Genome position (GRCh38, 1-based): chr8:99,147,909, A>C. VCF-style: chr8-99147909-A-C. GRCh37 (hg19) VCF-style: chr8-100160137-A-C.
Other names: c.1912A>C, p.Thr638Pro (NM_017890.5, NM_015243.3); short protein forms T638P.
Identifiers: ClinVar variation 4739998 (VCV004739998.1).

ClinVar aggregate classification (germline): Uncertain significance (1 of 4 stars; one submission).

Conditions:
Cohen syndrome (COH1). Also called: PEPPER SYNDROME; Cutis verticis gyrata, retinitis pigmentosa, and sensorineural deafness. Identifiers: Orphanet 193, MedGen C0265223, MONDO:0008999, OMIM 216550.

Submission:

Labcorp Genetics (formerly Invitae), Labcorp
Classification: Uncertain significance for Cohen syndrome. Last evaluated: 2025-06-14. Review status: criteria provided, single submitter. Criteria: Invitae Variant Classification Sherloc (09022015). Collection method: clinical testing. Allele origin: germline.
Comment: This sequence change replaces threonine, which is neutral and polar, with proline, which is neutral and non-polar, at codon 638 of the VPS13B protein (p.Thr638Pro). This variant is not present in population databases (gnomAD no frequency). This variant has not been reported in the literature in individuals affected with VPS13B-related conditions. Invitae Evidence Modeling of protein sequence and biophysical properties (such as structural, functional, and spatial information, amino acid conservation, physicochemical variation, residue mobility, and thermodynamic stability) indicates that this missense variant is expected to disrupt VPS13B protein function with a positive predictive value of 80%. In summary, the available evidence is currently insufficient to determine the role of this variant in disease. Therefore, it has been classified as a Variant of Uncertain Significance.